The following is an entry in ClinVar:

ClinVar aggregate classification (germline): Uncertain significance (1 of 4 stars; one submission).

Submission:

Ambry Genetics
Classification: Uncertain significance. Last evaluated: 2025-03-01. Review status: criteria provided, single submitter. Criteria: Ambry Variant Classification Scheme 2023. Collection method: clinical testing. Allele origin: germline.
Comment: The p.A158T variant (also known as c.472G>A), located in coding exon 4 of the RECQL gene, results from a G to A substitution at nucleotide position 472. The alanine at codon 158 is replaced by threonine, an amino acid with similar properties. This amino acid position is conserved. In addition, this alteration is predicted to be deleterious by in silico analysis. Based on the available evidence, the clinical significance of this variant remains unclear.

NM_002907.4(RECQL):c.472G>A (p.Ala158Thr)

Gene: RECQL (RecQ like helicase; minus strand). Cytogenetic location: 12p12.1.
Variant type: single nucleotide variant.
Coding change: c.472G>A on transcript NM_002907.4 (MANE Select); coding-DNA position 472, G replaced by A.
Protein change: p.Ala158Thr; replaces alanine 158 with threonine.
Molecular consequence: missense variant.
Genome position (GRCh38, 1-based): chr12:21,486,508, C>T on the plus strand (G>A on the coding strand, the complement: RECQL is on the minus strand). VCF-style: chr12-21486508-C-T. GRCh37 (hg19) VCF-style: chr12-21639442-C-T.
Other names: c.472G>A, p.Ala158Thr (NM_032941.3); short protein forms A158T.
Identifiers: ClinVar variation 3787925 (VCV003787925.1).